The following is an entry in ClinVar:

ClinVar aggregate classification (germline): Uncertain significance. Review status: criteria provided, multiple submitters, no conflicts (2 of 4 stars). 2 submissions from 2 submitters: Uncertain significance (2). Last evaluated 2026-08-20.

Conditions:
Hereditary nonpolyposis colorectal neoplasms. Identifiers: MedGen C0009405, MeSH D003123.
Hereditary cancer-predisposing syndrome. Also called: Neoplastic Syndromes, Hereditary; Hereditary Cancer Syndrome; Tumor predisposition; Hereditary neoplastic syndrome. Identifiers: Orphanet 140162, MedGen C0027672, MeSH D009386, MONDO:0015356.

Submissions (2):

Ambry Genetics
Classification: Uncertain significance for Hereditary cancer-predisposing syndrome. Last evaluated: 2026-08-20. Review status: criteria provided, single submitter. Criteria: Ambry Variant Classification Scheme 2023. Collection method: clinical testing. Allele origin: germline.
Comment: The p.D1213H variant (also known as c.3637G>C), located in coding exon 7 of the MSH6 gene, results from a G to C substitution at nucleotide position 3637. The aspartic acid at codon 1213 is replaced by histidine, an amino acid with similar properties. This amino acid position is conserved. In addition, this alteration is predicted to be deleterious by in silico analysis. Based on the available evidence, the clinical significance of this variant remains unclear.

Labcorp Genetics (formerly Invitae), Labcorp
Classification: Uncertain significance for Hereditary nonpolyposis colorectal neoplasms. Last evaluated: 2019-09-23. Review status: criteria provided, single submitter. Criteria: Invitae Variant Classification Sherloc (09022015). Collection method: clinical testing. Allele origin: germline.
Comment: In summary, the available evidence is currently insufficient to determine the role of this variant in disease. Therefore, it has been classified as a Variant of Uncertain Significance. Algorithms developed to predict the effect of missense changes on protein structure and function (SIFT, PolyPhen-2, Align-GVGD) all suggest that this variant is likely to be disruptive, but these predictions have not been confirmed by published functional studies and their clinical significance is uncertain. This variant has not been reported in the literature in individuals with MSH6-related conditions. This variant is not present in population databases (ExAC no frequency). This sequence change replaces aspartic acid with histidine at codon 1213 of the MSH6 protein (p.Asp1213His). The aspartic acid residue is highly conserved and there is a moderate physicochemical difference between aspartic acid and histidine.

NM_000179.3(MSH6):c.3637G>C (p.Asp1213His)

Gene: MSH6 (mutS homolog 6; plus strand). Cytogenetic location: 2p16.3.
Variant type: single nucleotide variant.
Coding change: c.3637G>C on transcript NM_000179.3 (MANE Select); coding-DNA position 3637, G replaced by C.
Protein change: p.Asp1213His; replaces aspartic acid 1213 with histidine.
Molecular consequence: missense variant.
Genome position (GRCh38, 1-based): chr2:47,805,698, G>C. VCF-style: chr2-47805698-G-C. GRCh37 (hg19) VCF-style: chr2-48032837-G-C.
Other names: c.3247G>C, p.Asp1083His (NM_001281492.2); c.2731G>C, p.Asp911His (NM_001281493.2, NM_001281494.2); short protein forms D1213H, D911H, D1083H.
Identifiers: ClinVar variation 956952 (VCV000956952.12), dbSNP rs1572742149, ClinGen allele CA346760614.